The following is an entry in ClinVar:

ClinVar aggregate classification (germline): Benign/Likely benign. Review status: criteria provided, multiple submitters, no conflicts (2 of 4 stars). 5 submissions from 5 submitters: Benign (3); Likely benign (2). Last evaluated 2026-04-18.

Conditions:
Neuropathy, congenital hypomyelinating, 3. Identifiers: MedGen C4748608, MONDO:0020766, OMIM 618186.
Lethal congenital contracture syndrome 7 (LCCS7). Identifiers: MedGen C4225386, MONDO:0014569, OMIM 616286.
CNTNAP1-related disorder. Also called: CNTNAP1-related disease; CNTNAP1-related condition.

Allele frequency attached by ClinVar (database versions not stated): ESP Exome Variant Server 0.00469; gnomAD exomes 0.00034 and 0.00094; ExAC 0.00108; 1000 Genomes Project 30x 0.00219; 1000 Genomes Project 0.00240; gnomAD 0.00378 and 0.00411; TOPMed 0.00429.
gnomAD v4.1: 1,101 of 1,614,016 alleles (0.068%); highest among the groups gnomAD compares: African/African-American, 1.3%; 10 homozygotes.

Submissions (5):

PreventionGenetics, part of Exact Sciences
Classification: Benign for CNTNAP1-related condition. Last evaluated: 2026-04-18. Review status: criteria provided, single submitter. Criteria: ACMG Guidelines, 2015. Collection method: clinical testing. Allele origin: germline.
Comment: This variant is classified as benign based on ACMG/AMP sequence variant interpretation guidelines (Richards et al. 2015 PMID: 25741868, with internal and published modifications).

Labcorp Genetics (formerly Invitae), Labcorp
Classification: Benign. Last evaluated: 2025-11-04. Review status: criteria provided, single submitter. Criteria: Invitae Variant Classification Sherloc (09022015). Collection method: clinical testing. Allele origin: germline.

Mayo Clinic Laboratories, Mayo Clinic
Classification: Benign. Last evaluated: 2022-08-03. Review status: criteria provided, single submitter. Criteria: ACMG Guidelines, 2015. Collection method: clinical testing. Allele origin: germline. Observed: 3 variant alleles.
Comment: BS1, BS2, BP4, BP7

Fulgent Genetics
Classification: Likely benign for Lethal congenital contracture syndrome 7; Neuropathy, congenital hypomyelinating, 3. Last evaluated: 2021-11-11. Review status: criteria provided, single submitter. Criteria: ACMG Guidelines, 2015. Collection method: clinical testing. Allele origin: unknown.

GeneDx
Classification: Likely benign. Last evaluated: 2021-04-29. Review status: criteria provided, single submitter. Criteria: GeneDx Variant Classification Process June 2021. Collection method: clinical testing. Allele origin: germline. Affected: yes.

NM_003632.3(CNTNAP1):c.327C>T (p.Asp109=)

Gene: CNTNAP1 (contactin associated protein 1; plus strand). Cytogenetic location: 17q21.2.
Variant type: single nucleotide variant.
Coding change: c.327C>T on transcript NM_003632.3 (MANE Select); coding-DNA position 327, C replaced by T.
Protein change: p.Asp109=; no amino-acid change (aspartic acid 109 retained).
Molecular consequence: synonymous variant.
Genome position (GRCh38, 1-based): chr17:42,684,193, C>T. VCF-style: chr17-42684193-C-T. GRCh37 (hg19) VCF-style: chr17-40836211-C-T.
Other names: p.Asp109=.
Identifiers: ClinVar variation 781302 (VCV000781302.15), dbSNP rs115552583, ClinGen allele CA8581479.
Genomic context (GRCh38, chr17:42,684,193, plus strand): 5'-CTCCTTTAATTCTTGGGACTGGGTCACACGTTACATGCTACTCTACGGCGACCGAGTGGA[C>T]AGCTGGACACCGTTCTACCAGCGAGGGCACAACTCGGTACTCTGGGCGCCAAGGCGGTAA-3'
Protein context (NP_003623.1, residues 99-119): RYMLLYGDRV[Asp109=]SWTPFYQRGH